The following is an entry in ClinVar:

ClinVar aggregate classification (germline): Uncertain significance. Review status: criteria provided, multiple submitters, no conflicts (2 of 4 stars). 2 submissions from 2 submitters: Uncertain significance (2). Last evaluated 2025-05-05.

Conditions:
Joubert syndrome 25 (JBTS25). Identifiers: Orphanet 475, MedGen C4084842, MONDO:0014770, OMIM 616781.

Allele frequency attached by ClinVar (database versions not stated): gnomAD 0.00002 and 0.00007; gnomAD exomes 0.00006 and 0.00012; TOPMed 0.00006; ESP Exome Variant Server 0.00008; ExAC 0.00031; 1000 Genomes Project 30x 0.00078; 1000 Genomes Project 0.00080.
gnomAD v4.1: 103 of 1,581,680 alleles (0.0065%); highest among the groups gnomAD compares: South Asian, 0.076%; 1 homozygote.

Submissions (2):

Women's Health and Genetics/Laboratory Corporation of America, LabCorp
Classification: Uncertain significance. Last evaluated: 2025-05-05. Review status: criteria provided, single submitter. Criteria: LabCorp Variant Classification Summary - May 2015. Collection method: clinical testing. Allele origin: germline.
Comment: Variant summary: CEP104 c.1485C>T (p.Ser495Ser) alters a conserved nucleotide located close to a canonical splice site and therefore could affect mRNA splicing, leading to a significantly altered protein sequence. Several computational tools predict a significant impact on normal splicing: Three predict the variant weakens a 5' donor site. However, these predictions have yet to be confirmed by functional studies. The variant allele was found at a frequency of 0.00012 in 200842 control chromosomes. This frequency is not significantly higher than estimated for a pathogenic variant in CEP104 causing Joubert Syndrome And Related Disorders (0.00012 vs 0.0004), allowing no conclusion about variant significance. To our knowledge, no occurrence of c.1485C>T in individuals affected with Joubert Syndrome And Related Disorders and no experimental evidence demonstrating its impact on protein function have been reported. ClinVar contains an entry for this variant (Variation ID: 859035). Based on the evidence outlined above, the variant was classified as uncertain significance.

Labcorp Genetics (formerly Invitae), Labcorp
Classification: Uncertain significance for Joubert syndrome 25. Last evaluated: 2019-01-27. Review status: criteria provided, single submitter. Criteria: Invitae Variant Classification Sherloc (09022015). Collection method: clinical testing. Allele origin: germline.
Comment: This sequence change affects codon 495 of the CEP104 mRNA. It is a 'silent' change, meaning that it does not change the encoded amino acid sequence of the CEP104 protein. This variant is present in population databases (rs371540690, ExAC 0.07%). This variant has not been reported in the literature in individuals with CEP104-related conditions. Algorithms developed to predict the effect of sequence changes on RNA splicing suggest that this variant may disrupt the consensus splice site, but this prediction has not been confirmed by published transcriptional studies. In summary, the available evidence is currently insufficient to determine the role of this variant in disease. Therefore, it has been classified as a Variant of Uncertain Significance.

NM_014704.4(CEP104):c.1485C>T (p.Ser495=)

Gene: CEP104 (centrosomal protein 104; minus strand). Cytogenetic location: 1p36.32.
Variant type: single nucleotide variant.
Coding change: c.1485C>T on transcript NM_014704.4 (MANE Select); coding-DNA position 1485, C replaced by T.
Protein change: p.Ser495=; no amino-acid change (serine 495 retained).
Molecular consequence: synonymous variant.
Genome position (GRCh38, 1-based): chr1:3,834,925, G>A on the plus strand (C>T on the coding strand, the complement: CEP104 is on the minus strand). VCF-style: chr1-3834925-G-A. GRCh37 (hg19) VCF-style: chr1-3751489-G-A.
Identifiers: ClinVar variation 859035 (VCV000859035.10), dbSNP rs371540690, ClinGen allele CA551596.